The following is an entry in ClinVar:

NM_000059.4(BRCA2):c.291A>C (p.Glu97Asp)

Gene: BRCA2 (BRCA2 DNA repair associated; plus strand). Cytogenetic location: 13q13.1.
Variant type: single nucleotide variant.
Coding change: c.291A>C on transcript NM_000059.4 (MANE Select); coding-DNA position 291, A replaced by C.
Protein change: p.Glu97Asp; replaces glutamic acid 97 with aspartic acid.
Molecular consequence: missense variant. On other transcripts: 5 prime UTR variant (1), non-coding transcript variant (1).
Genome position (GRCh38, 1-based): chr13:32,319,300, A>C. VCF-style: chr13-32319300-A-C. GRCh37 (hg19) VCF-style: chr13-32893437-A-C.
Other names: c.291A>C, p.Glu97Asp (NM_001406719.1, NM_001406720.1, NM_001406721.1 and 1 more transcripts); c.-79A>C (NM_001406722.1); short protein forms E97D.
Identifiers: ClinVar variation 3636406 (VCV003636406.2).

ClinVar aggregate classification (germline): Uncertain significance (1 of 4 stars; one submission).

Conditions:
Hereditary breast ovarian cancer syndrome. Also called: Hereditary breast and ovarian cancer syndrome; Hereditary breast and ovarian cancer syndrome (HBOC); BRCA1- and BRCA2-Associated Hereditary Breast and Ovarian Cancer; Hereditary breast and ovarian cancer; Breast and ovarian cancer; Hereditary breast and/or ovarian cancer syndrome. Identifiers: Orphanet 145, MedGen C0677776, MeSH D061325, MONDO:0003582. Disease mechanism: loss of function.

Submission:

Labcorp Genetics (formerly Invitae), Labcorp
Classification: Uncertain significance for Hereditary breast ovarian cancer syndrome. Last evaluated: 2024-07-11. Review status: criteria provided, single submitter. Criteria: Invitae Variant Classification Sherloc (09022015). Collection method: clinical testing. Allele origin: germline.
Comment: This sequence change replaces glutamic acid, which is acidic and polar, with aspartic acid, which is acidic and polar, at codon 97 of the BRCA2 protein (p.Glu97Asp). This variant is not present in population databases (gnomAD no frequency). This variant has not been reported in the literature in individuals affected with BRCA2-related conditions. Advanced modeling of protein sequence and biophysical properties (such as structural, functional, and spatial information, amino acid conservation, physicochemical variation, residue mobility, and thermodynamic stability) performed at Invitae indicates that this missense variant is not expected to disrupt BRCA2 protein function with a negative predictive value of 95%. In summary, the available evidence is currently insufficient to determine the role of this variant in disease. Therefore, it has been classified as a Variant of Uncertain Significance.